The following is an entry in ClinVar:

NM_005228.5(EGFR):c.3162+1G>A

Gene: EGFR (epidermal growth factor receptor; plus strand). Cytogenetic location: 7p11.2.
Variant type: single nucleotide variant.
Coding change: c.3162+1G>A on transcript NM_005228.5 (MANE Select); the canonical splice donor site of the intron after coding-DNA position 3162, G replaced by A.
Molecular consequence: splice donor variant.
Genome position (GRCh38, 1-based): chr7:55,201,783, G>A. VCF-style: chr7-55201783-G-A. GRCh37 (hg19) VCF-style: chr7-55269476-G-A.
Other names: c.3027+1G>A (NM_001346899.2, NM_001346897.2); c.2361+1G>A (NM_001346941.2); c.3162+1G>A (NM_001346898.2, NM_005228.3); c.3003+1G>A (NM_001346900.2).
Identifiers: ClinVar variation 1055190 (VCV001055190.8), dbSNP rs1034084415, ClinGen allele CA158938193.

ClinVar aggregate classification (germline): Conflicting classifications of pathogenicity. Review status: criteria provided, conflicting classifications (1 of 4 stars). 2 submissions from 2 submitters: Likely pathogenic (1); Uncertain significance (1). Last evaluated 2026-02-06.

Conditions:
Hereditary cancer-predisposing syndrome. Also called: Hereditary Cancer Syndrome; Neoplastic Syndromes, Hereditary; Tumor predisposition; Hereditary neoplastic syndrome. Identifiers: Orphanet 140162, MedGen C0027672, MeSH D009386, MONDO:0015356.
EGFR-related lung cancer (EGFR). Identifiers: MedGen CN130014.

Submissions (2):

Ambry Genetics
Classification: Uncertain significance for Hereditary cancer-predisposing syndrome. Last evaluated: 2026-02-06. Review status: criteria provided, single submitter. Criteria: Ambry Variant Classification Scheme 2023. Collection method: clinical testing. Allele origin: germline.
Comment: The c.3162+1G>A intronic variant results from a G to A substitution one nucleotide after coding exon 26 of the EGFR gene. Variants that disrupt the canonical splice site are expected to result in aberrant splicing. In silico splice site analysis predicts that this alteration will weaken the native splice donor site. A resulting transcript is predicted to be in-frame and is not expected to trigger nonsense-mediated mRNA decay; although, direct evidence is unavailable. This nucleotide position is highly conserved in available vertebrate species. Based on the available evidence, the clinical significance of this variant remains unclear.

Labcorp Genetics (formerly Invitae), Labcorp
Classification: Likely pathogenic for EGFR-related lung cancer. Last evaluated: 2023-08-31. Review status: criteria provided, single submitter. Criteria: Invitae Variant Classification Sherloc (09022015). Collection method: clinical testing. Allele origin: germline.
Comment: In summary, the currently available evidence indicates that the variant is pathogenic, but additional data are needed to prove that conclusively. Therefore, this variant has been classified as Likely Pathogenic. Algorithms developed to predict the effect of sequence changes on RNA splicing suggest that this variant may disrupt the consensus splice site. ClinVar contains an entry for this variant (Variation ID: 1055190). This variant has not been reported in the literature in individuals affected with EGFR-related conditions. This variant is not present in population databases (gnomAD no frequency). This sequence change affects a donor splice site in intron 26 of the EGFR gene. It is expected to disrupt RNA splicing. Variants that disrupt the donor or acceptor splice site typically lead to a loss of protein function (PMID: 16199547), and loss-of-function variants in EGFR are known to be pathogenic (PMID: 7630400, 28726809, 29899996).

Literature cited by the submitters: PubMed 16199547 (cited by Labcorp Genetics (formerly Invitae), Labcorp); PubMed 7630400 (cited by Labcorp Genetics (formerly Invitae), Labcorp); PubMed 28726809 (cited by Labcorp Genetics (formerly Invitae), Labcorp); PubMed 29899996 (cited by Labcorp Genetics (formerly Invitae), Labcorp).